The following is an entry in ClinVar:

NM_001122630.2(CDKN1C):c.19C>T (p.Arg7Cys)

Gene: CDKN1C (cyclin dependent kinase inhibitor 1C; minus strand). Cytogenetic location: 11p15.4.
Variant type: single nucleotide variant.
Coding change: c.19C>T on transcript NM_001122630.2 (MANE Select); coding-DNA position 19, C replaced by T.
Protein change: p.Arg7Cys; replaces arginine 7 with cysteine.
Molecular consequence: missense variant.
Genome position (GRCh38, 1-based): chr11:2,885,438, G>A on the plus strand (C>T on the coding strand, the complement: CDKN1C is on the minus strand). VCF-style: chr11-2885438-G-A. GRCh37 (hg19) VCF-style: chr11-2906668-G-A.
Other names: c.52C>T, p.Arg18Cys (NM_000076.2, NM_001362474.2); c.19C>T, p.Arg7Cys (NM_001122631.2, NM_001362475.2); short protein forms R7C, R18C.
Identifiers: ClinVar variation 2129090 (VCV002129090.4), dbSNP rs1439697461, ClinGen allele CA379147928.

ClinVar aggregate classification (germline): Uncertain significance (1 of 4 stars; one submission).

Conditions:
Beckwith-Wiedemann syndrome (BWS). Also called: EMG SYNDROME; Exomphalos macroglossia gigantism syndrome. Identifiers: Orphanet 116, MedGen C0004903, MONDO:0007534, OMIM 130650.

Submission:

Labcorp Genetics (formerly Invitae), Labcorp
Classification: Uncertain significance for Beckwith-Wiedemann syndrome. Last evaluated: 2022-04-22. Review status: criteria provided, single submitter. Criteria: Invitae Variant Classification Sherloc (09022015). Collection method: clinical testing. Allele origin: germline.
Comment: This sequence change replaces arginine, which is basic and polar, with cysteine, which is neutral and slightly polar, at codon 18 of the CDKN1C protein (p.Arg18Cys). In summary, the available evidence is currently insufficient to determine the role of this variant in disease. Therefore, it has been classified as a Variant of Uncertain Significance. Algorithms developed to predict the effect of missense changes on protein structure and function are either unavailable or do not agree on the potential impact of this missense change (SIFT: "Deleterious"; PolyPhen-2: "Possibly Damaging"; Align-GVGD: "Class C0"). This variant has not been reported in the literature in individuals affected with CDKN1C-related conditions. This variant is not present in population databases (gnomAD no frequency).